The following is an entry in ClinVar:

NM_000169.3(GLA):c.358_359delinsTC (p.Leu120Ser)

Genes: GLA (galactosidase alpha; minus strand), RPL36A-HNRNPH2 (RPL36A-HNRNPH2 readthrough; plus strand). Cytogenetic location: Xq22.1.
Variant type: Indel.
Coding change: c.358_359delinsTC on transcript NM_000169.3 (MANE Select); coding-DNA positions 358 to 359, CT replaced by TC.
Protein change: p.Leu120Ser; replaces leucine 120 with serine.
Molecular consequence: missense variant. On other transcripts: non-coding transcript variant (3), intron variant (2).
Genome position (GRCh38, 1-based): chrX:101,403,821-101,403,822, AG replaced by GA on the plus strand (CT replaced by TC on the coding strand, the reverse complement: GLA is on the minus strand). VCF-style: chrX-101403821-AG-GA. GRCh37 (hg19) VCF-style: chrX-100658809-AG-GA.
Other names: c.481_482delinsTC, p.Leu161Ser (NM_001406747.1, NM_001406749.1); c.358_359delinsTC, p.Leu120Ser (NM_001406748.1); c.301-8115_301-8114delinsGA (NM_001199973.2); c.178-8115_178-8114delinsGA (NM_001199974.2); short protein forms L120S, L161S.
Identifiers: ClinVar variation 4974884 (VCV004974884.1).
Genomic context (GRCh38, chrX:101,403,821, plus strand): 5'-GAAGTGCTTACAGTCCTCTGAATGAACAAGAACATTATCTATAAACTCACATAATTAGCT[AG>GA]CTGGCGAATCCCATGAGGAAAGCGCTGAGGGTCTGCCTGAAGTCTGCCTTCTGAATCTCT-3'
Protein context (NP_000160.1, residues 110-130): PQRFPHGIRQ[Leu120Ser]ANYVHSKGLK

ClinVar aggregate classification (germline): Likely pathogenic (1 of 4 stars; one submission).

Conditions:
Fabry disease. Also called: Fabry's disease; ALPHA-GALACTOSIDASE A DEFICIENCY; ANDERSON-FABRY DISEASE; CERAMIDE TRIHEXOSIDASE DEFICIENCY; GLA DEFICIENCY; HEREDITARY DYSTOPIC LIPIDOSIS. Identifiers: Orphanet 324, MedGen C0002986, MONDO:0010526, OMIM 301500, HP:0001071. Disease mechanism: Fabry disease is due to inactivating mutations in the X-linked GLA gene resulting in deficiency of the enzyme Alpha Galactosidase-A., loss of function.

Submission:

Genomenon, Inc
Classification: Likely pathogenic for Fabry disease. Last evaluated: 2026-09-08. Review status: criteria provided, single submitter. Criteria: Genomenon Sequence Variant Interpretation Standards - Updated. Collection method: curation. Allele origin: germline. Affected: no.
Comment: GLA p.Leu120Ser (c.358_359delinsTC) is a deletion-insertion variant that changes the amino acid at codon 120 from Leucine to Serine. To our knowledge, this variant has not been reported in patients affected with Fabry disease in the published literature. At least one functional study has demonstrated a substantial alteration in protein function relative to the wild-type (PMID:27657681). It is absent or not present at a significant frequency in gnomAD. In conclusion, we classify GLA p.Leu120Ser (c.358_359delinsTC) as a likely pathogenic variant.

Literature cited by the submitters: PubMed 27657681.